The following is an entry in ClinVar:

ClinVar aggregate classification (germline): Uncertain significance (1 of 4 stars; one submission).

Conditions:
COG8-congenital disorder of glycosylation. Also called: COG8-CDG; CDG IIh. Identifiers: Orphanet 95428, MedGen C1970021, MONDO:0012635, OMIM 611182.

Allele frequency attached by ClinVar (database versions not stated): gnomAD exomes 0.00001.
gnomAD v4.1: 4 of 1,613,384 alleles (0.00025%); highest among the groups gnomAD compares: Non-Finnish European, 0.00034%; no homozygotes.

Submission:

Labcorp Genetics (formerly Invitae), Labcorp
Classification: Uncertain significance for COG8-congenital disorder of glycosylation. Last evaluated: 2024-09-16. Review status: criteria provided, single submitter. Criteria: Invitae Variant Classification Sherloc (09022015). Collection method: clinical testing. Allele origin: germline.
Comment: This sequence change replaces glutamine, which is neutral and polar, with histidine, which is basic and polar, at codon 221 of the COG8 protein (p.Gln221His). This variant is not present in population databases (gnomAD no frequency). This variant has not been reported in the literature in individuals affected with COG8-related conditions. ClinVar contains an entry for this variant (Variation ID: 1399155). Invitae Evidence Modeling of protein sequence and biophysical properties (such as structural, functional, and spatial information, amino acid conservation, physicochemical variation, residue mobility, and thermodynamic stability) indicates that this missense variant is not expected to disrupt COG8 protein function with a negative predictive value of 80%. In summary, the available evidence is currently insufficient to determine the role of this variant in disease. Therefore, it has been classified as a Variant of Uncertain Significance.

NM_032382.5(COG8):c.663G>C (p.Gln221His)

Gene: COG8 (component of oligomeric golgi complex 8; minus strand). Cytogenetic location: 16q22.1.
Variant type: single nucleotide variant.
Coding change: c.663G>C on transcript NM_032382.5 (MANE Select); coding-DNA position 663, G replaced by C.
Protein change: p.Gln221His; replaces glutamine 221 with histidine.
Molecular consequence: missense variant.
Genome position (GRCh38, 1-based): chr16:69,335,271, C>G on the plus strand (G>C on the coding strand, the complement: COG8 is on the minus strand). VCF-style: chr16-69335271-C-G. GRCh37 (hg19) VCF-style: chr16-69369174-C-G.
Other names: c.663G>C, p.Gln221His (NM_001374871.1, NM_001379261.1, NM_001379262.1 and 4 more transcripts); short protein forms Q221H.
Identifiers: ClinVar variation 1399155 (VCV001399155.7), dbSNP rs2012143678, ClinGen allele CA396487283.